The following is an entry in ClinVar:

NM_172240.3(POC1B):c.1114A>G (p.Thr372Ala)

Genes: POC1B (POC1 centriolar protein B; minus strand), POC1B-DUSP6 (POC1B-DUSP6 readthrough; minus strand). Cytogenetic location: 12q21.33.
Variant type: single nucleotide variant.
Coding change: c.1114A>G on transcript NM_172240.3 (MANE Select); coding-DNA position 1114, A replaced by G.
Protein change: p.Thr372Ala; replaces threonine 372 with alanine.
Molecular consequence: missense variant. On other transcripts: non-coding transcript variant (2).
Genome position (GRCh38, 1-based): chr12:89,425,379, T>C on the plus strand (A>G on the coding strand, the complement: POC1B is on the minus strand). VCF-style: chr12-89425379-T-C. GRCh37 (hg19) VCF-style: chr12-89819156-T-C.
Other names: c.988A>G, p.Thr330Ala (NM_001199777.2); short protein forms T372A, T330A.
Identifiers: ClinVar variation 1410763 (VCV001410763.6), dbSNP rs780599840, ClinGen allele CA6714241.

ClinVar aggregate classification (germline): Uncertain significance (1 of 4 stars; one submission).

Allele frequency attached by ClinVar (database versions not stated): gnomAD exomes below 0.00001 and 0.00001; TOPMed below 0.00001; ExAC 0.00001; gnomAD 0.00001.
gnomAD v4.1: 6 of 1,605,842 alleles (0.00037%); highest among the groups gnomAD compares: Non-Finnish European, 0.00043%; no homozygotes.

Submission:

Labcorp Genetics (formerly Invitae), Labcorp
Classification: Uncertain significance. Last evaluated: 2021-11-19. Review status: criteria provided, single submitter. Criteria: Invitae Variant Classification Sherloc (09022015). Collection method: clinical testing. Allele origin: germline.
Comment: This sequence change replaces threonine, which is neutral and polar, with alanine, which is neutral and non-polar, at codon 372 of the POC1B protein (p.Thr372Ala). In summary, the available evidence is currently insufficient to determine the role of this variant in disease. Therefore, it has been classified as a Variant of Uncertain Significance. Algorithms developed to predict the effect of missense changes on protein structure and function (SIFT, PolyPhen-2, Align-GVGD) all suggest that this variant is likely to be tolerated. This variant has not been reported in the literature in individuals affected with POC1B-related conditions. This variant is present in population databases (rs780599840, gnomAD 0.002%).